The following is an entry in ClinVar:

NM_139215.3(TAF15):c.1457A>G (p.Tyr486Cys)

Gene: TAF15 (TATA-box binding protein associated factor 15; plus strand). Cytogenetic location: 17q12.
Variant type: single nucleotide variant.
Coding change: c.1457A>G on transcript NM_139215.3 (MANE Select); coding-DNA position 1457, A replaced by G.
Protein change: p.Tyr486Cys; replaces tyrosine 486 with cysteine.
Molecular consequence: missense variant.
Genome position (GRCh38, 1-based): chr17:35,844,756, A>G. VCF-style: chr17-35844756-A-G. GRCh37 (hg19) VCF-style: chr17-34171760-A-G.
Other names: c.1448A>G, p.Tyr483Cys (NM_003487.4); short protein forms Y483C, Y486C.
Identifiers: ClinVar variation 3356722 (VCV003356722.1).
Genomic context (GRCh38, chr17:35,844,756, plus strand): 5'-ACAGAGGAGGCGGCTATGGAGGAGACCGAGGAGGTGGCTATGGAGGAGATCGAGGTGGCT[A>G]TGGAGGAGACCGAGGTGGAGGCTATGGTGGAGACCGAGGAGGCTATGGAGGAGATCGAGG-3'
Protein context (NP_631961.1, residues 476-496): GGGYGGDRGG[Tyr486Cys]GGDRGGGYGG

ClinVar aggregate classification (germline): Uncertain significance (0 of 4 stars; one submission).

Conditions:
TAF15-related disorder. Also called: TAF15-related condition.

gnomAD v4.1: 20 of 1,608,466 alleles (0.0012%); highest among the groups gnomAD compares: East Asian, 0.0022%; no homozygotes.

Submission:

PreventionGenetics, part of Exact Sciences
Classification: Uncertain significance for TAF15-related condition. Last evaluated: 2024-07-23. Review status: no assertion criteria provided. Collection method: clinical testing. Allele origin: germline.
Comment: The TAF15 c.1457A>G variant is predicted to result in the amino acid substitution p.Tyr486Cys. To our knowledge, this variant has not been reported in the literature. This variant is reported in 0.012% of alleles in individuals of African descent in gnomAD. At this time, the clinical significance of this variant is uncertain due to the absence of conclusive functional and genetic evidence.